The following is an entry in ClinVar:

ClinVar aggregate classification (germline): Likely benign (0 of 4 stars; one submission).

Conditions:
SPTBN5-related disorder. Also called: SPTBN5-related condition.

Allele frequency attached by ClinVar (database versions not stated): ExAC 0.00003; gnomAD exomes 0.00005.
gnomAD v4.1: 71 of 1,569,992 alleles (0.0045%); highest among the groups gnomAD compares: Non-Finnish European, 0.006%; no homozygotes.

Submission:

PreventionGenetics, part of Exact Sciences
Classification: Likely benign for SPTBN5-related condition. Last evaluated: 2019-07-23. Review status: no assertion criteria provided. Collection method: clinical testing. Allele origin: germline.
Comment: This variant is classified as likely benign based on ACMG/AMP sequence variant interpretation guidelines (Richards et al. 2015 PMID: 25741868, with internal and published modifications).

NM_016642.4(SPTBN5):c.-3C>T

Genes: SPTBN5 (spectrin beta, non-erythrocytic 5; minus strand), LOC105370792 (uncharacterized LOC105370792; plus strand). Cytogenetic location: 15q15.1.
Variant type: single nucleotide variant.
Coding change: c.-3C>T on transcript NM_016642.4 (MANE Select); 3 bases upstream of the start codon, C replaced by T.
Molecular consequence: 5 prime UTR variant.
Genome position (GRCh38, 1-based): chr15:41,893,500, G>A on the plus strand (C>T on the coding strand, the complement: SPTBN5 is on the minus strand). VCF-style: chr15-41893500-G-A. GRCh37 (hg19) VCF-style: chr15-42185698-G-A.
Identifiers: ClinVar variation 3049379 (VCV003049379.2), dbSNP rs777879682, ClinGen allele CA7504576.